The following is an entry in ClinVar:

ClinVar aggregate classification (germline): Uncertain significance. Review status: criteria provided, single submitter (1 of 4 stars). 2 submissions from 2 submitters: Uncertain significance (1). 1 of the submissions does not count toward it. Last evaluated 2025-06-22.

Conditions:
C17orf107-related condition.
Congenital myasthenic syndrome 4A. Also called: Myasthenic syndrome, congenital, 4a, slow-channel; MYASTHENIC SYNDROME, CONGENITAL, 4A, SLOW-CHANNEL, AUTOSOMAL RECESSIVE; CONGENITAL MYASTHENIC SYNDROME TYPE Ia1. Identifiers: Orphanet 590, MedGen C4225413, MONDO:0011600, OMIM 605809.

gnomAD v4.1: 1 of 1,614,018 alleles (0.000062%); highest among the groups gnomAD compares: East Asian, 0.0022%; no homozygotes.

Submissions (2):

Labcorp Genetics (formerly Invitae), Labcorp
Classification: Uncertain significance for Congenital myasthenic syndrome 4A. Last evaluated: 2025-06-22. Review status: criteria provided, single submitter. Criteria: Invitae Variant Classification Sherloc (09022015). Collection method: clinical testing. Allele origin: germline.
Comment: This sequence change falls in intron 2 of the CHRNE gene. It does not directly change the encoded amino acid sequence of the CHRNE protein. It affects a nucleotide within the consensus splice site. This variant is not present in population databases (gnomAD no frequency). This variant has not been reported in the literature in individuals affected with CHRNE-related conditions. ClinVar contains an entry for this variant (Variation ID: 3356207). Variants that disrupt the consensus splice site are a relatively common cause of aberrant splicing (PMID: 17576681, 9536098). Algorithms developed to predict the effect of sequence changes on RNA splicing suggest that this variant is not likely to affect RNA splicing. In summary, the available evidence is currently insufficient to determine the role of this variant in disease. Therefore, it has been classified as a Variant of Uncertain Significance.

PreventionGenetics, part of Exact Sciences
Classification: Likely benign for C17orf107-related condition. Last evaluated: 2024-09-09. Review status: no assertion criteria provided. Collection method: clinical testing. Allele origin: germline. Not counted in ClinVar's aggregate classification.
Comment: This variant is classified as likely benign based on ACMG/AMP sequence variant interpretation guidelines (Richards et al. 2015 PMID: 25741868, with internal and published modifications).

Literature cited by the submitters: PubMed 17576681 (cited by Labcorp Genetics (formerly Invitae), Labcorp); PubMed 9536098 (cited by Labcorp Genetics (formerly Invitae), Labcorp).

NM_001145536.2(C17orf107):c.*2082G>A

Genes: C17orf107 (chromosome 17 open reading frame 107; plus strand), CHRNE (cholinergic receptor nicotinic epsilon subunit; minus strand). Cytogenetic location: 17p13.2.
Variant type: single nucleotide variant.
Coding change: c.*2082G>A on transcript NM_001145536.2 (MANE Select); 2082 bases downstream of the stop codon, G replaced by A.
Molecular consequence: 3 prime UTR variant. On other transcripts: intron variant (1).
Genome position (GRCh38, 1-based): chr17:4,902,615, G>A. VCF-style: chr17-4902615-G-A. GRCh37 (hg19) VCF-style: chr17-4805910-G-A.
Other names: c.189+6C>T (NM_000080.4).
Identifiers: ClinVar variation 3356207 (VCV003356207.3).